The following is an entry in ClinVar:

NM_000545.8(HNF1A):c.869C>A (p.Pro290His)

Gene: HNF1A (HNF1 homeobox A; plus strand). Cytogenetic location: 12q24.31.
Variant type: single nucleotide variant.
Coding change: c.869C>A on transcript NM_000545.8 (MANE Select); coding-DNA position 869, C replaced by A.
Protein change: p.Pro290His; replaces proline 290 with histidine.
Molecular consequence: missense variant.
Genome position (GRCh38, 1-based): chr12:120,994,319, C>A. VCF-style: chr12-120994319-C-A. GRCh37 (hg19) VCF-style: chr12-121432122-C-A.
Other names: c.869C>A, p.Pro290His (NM_001306179.2); short protein forms P290H.
Identifiers: ClinVar variation 1048822 (VCV001048822.6), dbSNP rs778231679, ClinGen allele CA6831852.

ClinVar aggregate classification (germline): Uncertain significance. Review status: criteria provided, multiple submitters, no conflicts (2 of 4 stars). 3 submissions from 3 submitters: Uncertain significance (2). 1 of the submissions does not count toward it. Last evaluated 2024-09-05.

Conditions:
Maturity-onset diabetes of the young type 3. Also called: MODY type 3; MODY, type III. Identifiers: Orphanet 552, MedGen C1838100, MeSH C563933, MONDO:0010894, OMIM 600496. Disease mechanism: loss of function.
Nonpapillary renal cell carcinoma. Identifiers: Orphanet 422526, MedGen CN074294, MONDO:0007763, OMIM 144700.
Diabetes mellitus type 1 (T1D). Also called: Diabetes Mellitus, Juvenile-Onset; Type I diabetes mellitus. Identifiers: MedGen C0011854, MONDO:0005147, OMIM 222100, HP:0100651.
Type 2 diabetes mellitus. Also called: Type II diabetes mellitus. Identifiers: MedGen C0011860, MeSH D003924, MONDO:0005148, OMIM 125853, HP:0005978.
Hepatic adenomas, familial. Also called: LIVER CELL ADENOMAS, FAMILIAL; HEPATIC ADENOMA, SOMATIC. Identifiers: MedGen C1840646, MONDO:0007718, OMIM 142330.
Type 1 diabetes mellitus 20 (T1D20). Also called: Diabetes mellitus, insulin-dependent, 20. Identifiers: MedGen C2675866, MONDO:0012919, OMIM 612520.

gnomAD v4.1: 30 of 1,610,224 alleles (0.0019%); highest among the groups gnomAD compares: South Asian, 0.0055%; no homozygotes.

Submissions (3):

Labcorp Genetics (formerly Invitae), Labcorp
Classification: Uncertain significance. Last evaluated: 2024-09-05. Review status: criteria provided, single submitter. Criteria: Invitae Variant Classification Sherloc (09022015). Collection method: clinical testing. Allele origin: germline.
Comment: This sequence change replaces proline, which is neutral and non-polar, with histidine, which is basic and polar, at codon 290 of the HNF1A protein (p.Pro290His). This variant is present in population databases (rs778231679, gnomAD 0.01%). This variant has not been reported in the literature in individuals affected with HNF1A-related conditions. ClinVar contains an entry for this variant (Variation ID: 1048822). Invitae Evidence Modeling of protein sequence and biophysical properties (such as structural, functional, and spatial information, amino acid conservation, physicochemical variation, residue mobility, and thermodynamic stability) indicates that this missense variant is not expected to disrupt HNF1A protein function with a negative predictive value of 80%. In summary, the available evidence is currently insufficient to determine the role of this variant in disease. Therefore, it has been classified as a Variant of Uncertain Significance.

Fulgent Genetics
Classification: Uncertain significance for Type 2 diabetes mellitus; Hepatic adenomas, familial; Nonpapillary renal cell carcinoma; Diabetes mellitus type 1; Maturity-onset diabetes of the young type 3; Type 1 diabetes mellitus 20. Last evaluated: 2024-05-29. Review status: criteria provided, single submitter. Criteria: ACMG Guidelines, 2015. Collection method: clinical testing. Allele origin: germline.

Department of Pathology and Laboratory Medicine, Sinai Health System
Classification: Uncertain significance. Review status: no assertion criteria provided. Collection method: clinical testing. Allele origin: unknown. Affected: yes. Study: The Canadian Open Genetics Repository (COGR). Not counted in ClinVar's aggregate classification.
Comment: The HNF1A p.Pro290His variant was not identified in the literature nor was it identified in ClinVar, Cosmic or LOVD 3.0. The variant was identified in dbSNP (ID: rs778231679) and was also identified in control databases in 11 of 272162 chromosomes at a frequency of 0.00004 (Genome Aggregation Database Feb 27, 2017). The variant was observed in the following populations: South Asian in 3 of 29814 chromosomes (freq: 0.000101), African in 2 of 23386 chromosomes (freq: 0.000086), European (non-Finnish) in 5 of 124250 chromosomes (freq: 0.00004) and Latino in 1 of 34340 chromosomes (freq: 0.000029); it was not observed in the Ashkenazi Jewish, East Asian, European (Finnish) and Other populations. The variant occurs outside of the splicing consensus sequence and 2 of 4 in silico or computational prediction software programs (SpliceSiteFinder, MaxEntScan, NNSPLICE, GeneSplicer) predict a greater than 10% difference in splicing. The p.Pro290 residue is not conserved in mammals and computational analyses (PolyPhen-2, SIFT, AlignGVGD, BLOSUM, MutationTaster) provide inconsistent predictions regarding the impact to the protein; this information is not very predictive of pathogenicity. In summary, based on the above information the clinical significance of this variant cannot be determined with certainty at this time. This variant is classified as a variant of uncertain significance.